The following is an entry in ClinVar:

ClinVar aggregate classification (germline): Pathogenic (1 of 4 stars; one submission).

Conditions:
Rare genetic deafness. Identifiers: Orphanet 96210, MedGen C5680250.

Submission:

Laboratory for Molecular Medicine, Mass General Brigham Personalized Medicine
Classification: Pathogenic for Rare genetic deafness. Last evaluated: 2010-09-27. Review status: criteria provided, single submitter. Criteria: LMM Criteria. Collection method: clinical testing. Allele origin: germline. Observed: 2 variant alleles.
Comment: The 5923+1G>A variant in CDH23 has not been reported in the literature nor previ ously identified by our laboratory. The 5923+1G>A variant is predicted to cause abnormal splicing because the nucleotide substitution occurs in the invariant re gion of the splice consensus sequence. In summary, this variant meets our criter ia to be classified as pathogenic.

NM_022124.6(CDH23):c.5923+1G>A

Gene: CDH23 (cadherin related 23; plus strand). Cytogenetic location: 10q22.1.
Variant type: single nucleotide variant.
Coding change: c.5923+1G>A on transcript NM_022124.6 (MANE Select); the canonical splice donor site of the intron after coding-DNA position 5923, G replaced by A.
Molecular consequence: splice donor variant.
Genome position (GRCh38, 1-based): chr10:71,789,043, G>A. VCF-style: chr10-71789043-G-A. GRCh37 (hg19) VCF-style: chr10-73548800-G-A.
Identifiers: ClinVar variation 45995 (VCV000045995.4), dbSNP rs397517346, ClinGen allele CA261790.